The following is an entry in ClinVar:

ClinVar aggregate classification (germline): Pathogenic (1 of 4 stars; one submission).

Submission:

GeneDx
Classification: Pathogenic. Last evaluated: 2024-04-02. Review status: criteria provided, single submitter. Criteria: GeneDx Variant Classification Process June 2021. Collection method: clinical testing. Allele origin: germline. Affected: yes.
Comment: Not observed at significant frequency in large population cohorts (gnomAD); In silico analysis supports that this missense variant has a deleterious effect on protein structure/function; Located in the highly conserved helix initiation motif of the alpha-helical rod domain, which is intolerant to change; variants in this motif interfere with proper keratin intermediate filament assembly and function, resulting in skin fragility and/or hyperkeratosis (PMID: 21176769); This variant is associated with the following publications: (PMID: 36430820, 31001817, 21176769)

NM_000424.4(KRT5):c.545T>C (p.Phe182Ser)

Gene: KRT5 (keratin 5; minus strand). Cytogenetic location: 12q13.13.
Variant type: single nucleotide variant.
Coding change: c.545T>C on transcript NM_000424.4 (MANE Select); coding-DNA position 545, T replaced by C.
Protein change: p.Phe182Ser; replaces phenylalanine 182 with serine.
Molecular consequence: missense variant.
Genome position (GRCh38, 1-based): chr12:52,519,752, A>G on the plus strand (T>C on the coding strand, the complement: KRT5 is on the minus strand). VCF-style: chr12-52519752-A-G. GRCh37 (hg19) VCF-style: chr12-52913536-A-G.
Other names: short protein forms F182S.
Identifiers: ClinVar variation 3361125 (VCV003361125.1).